The following is an entry in ClinVar:

ClinVar aggregate classification (germline): Uncertain significance. Review status: criteria provided, multiple submitters, no conflicts (2 of 4 stars). 2 submissions from 2 submitters: Uncertain significance (2). Last evaluated 2025-04-05.

Conditions:
Inborn genetic diseases. Identifiers: MedGen C0950123, MeSH D030342.

Submissions (2):

Ambry Genetics
Classification: Uncertain significance for Inborn genetic diseases. Last evaluated: 2025-04-05. Review status: criteria provided, single submitter. Criteria: Ambry Variant Classification Scheme 2023. Collection method: clinical testing. Allele origin: germline.
Comment: The p.G203R variant (also known as c.607G>A), located in coding exon 3 of the MBD4 gene, results from a G to A substitution at nucleotide position 607. The glycine at codon 203 is replaced by arginine, an amino acid with dissimilar properties. This amino acid position is conserved. In addition, this alteration is predicted to be tolerated by in silico analysis. Based on the available evidence, the clinical significance of this variant remains unclear.

ARUP Laboratories, Molecular Genetics and Genomics, ARUP Laboratories
Classification: Uncertain significance. Last evaluated: 2024-10-14. Review status: criteria provided, single submitter. Criteria: ARUP Molecular Germline Variant Investigation Process 2024. Collection method: clinical testing. Allele origin: germline.
Comment: The MBD4 c.607G>A; p.Gly203Arg variant, to our knowledge, is not reported in the medical literature or gene specific databases. This variant is also absent from the Genome Aggregation Database (v2.1.1), indicating it is not a common polymorphism. Computational analyses are uncertain whether this variant is neutral or deleterious (REVEL: 0.162). Due to limited information, the clinical significance of this variant is uncertain at this time.

NM_001276270.2(MBD4):c.607G>A (p.Gly203Arg)

Gene: MBD4 (methyl-CpG binding domain 4, DNA glycosylase; minus strand). Cytogenetic location: 3q21.3.
Variant type: single nucleotide variant.
Coding change: c.607G>A on transcript NM_001276270.2 (MANE Select); coding-DNA position 607, G replaced by A.
Protein change: p.Gly203Arg; replaces glycine 203 with arginine.
Molecular consequence: missense variant. On other transcripts: intron variant (1).
Genome position (GRCh38, 1-based): chr3:129,437,037, C>T on the plus strand (G>A on the coding strand, the complement: MBD4 is on the minus strand). VCF-style: chr3-129437037-C-T. GRCh37 (hg19) VCF-style: chr3-129155880-C-T.
Other names: c.607G>A, p.Gly203Arg (NM_001276271.2, NM_001276272.2, NM_003925.3); c.247+771G>A (NM_001276273.2); short protein forms G203R.
Identifiers: ClinVar variation 3766891 (VCV003766891.2).
Genomic context (GRCh38, chr3:129,437,037, plus strand): 5'-CATCATCAACACCCTCATCTTCTTTCAAAAGCAAATGAGTGGAAGTAAAGTTAGAGAGTC[C>T]TCTGCTCTCCTGCAACTCTGAACTACTACTTGGCGGCATAAACACATCCTTTTTGCACTT-3'
Protein context (NP_001263199.1, residues 193-213): SSSSELQESR[Gly203Arg]LSNFTSTHLL